The following is an entry in ClinVar:

NM_002691.4(POLD1):c.2154+2T>G

Gene: POLD1 (DNA polymerase delta 1, catalytic subunit; plus strand). Cytogenetic location: 19q13.33.
Variant type: single nucleotide variant.
Coding change: c.2154+2T>G on transcript NM_002691.4 (MANE Select); the canonical splice donor site of the intron after coding-DNA position 2154, T replaced by G.
Molecular consequence: splice donor variant.
Genome position (GRCh38, 1-based): chr19:50,409,668, T>G. VCF-style: chr19-50409668-T-G. GRCh37 (hg19) VCF-style: chr19-50912925-T-G.
Other names: c.2154+2T>G (NM_001256849.1); c.2232+2T>G (NM_001308632.1).
Identifiers: ClinVar variation 659440 (VCV000659440.9), dbSNP rs1555792026, ClinGen allele CA406982747.

ClinVar aggregate classification (germline): Uncertain significance (1 of 4 stars; one submission).

Conditions:
POLD1-related polyposis and colorectal cancer syndrome (CRCS10). Also called: Colorectal cancer, susceptibility to, 10; Colorectal cancer 10; COLORECTAL CANCER, SUSCEPTIBILITY TO, ON CHROMOSOME 19q. Identifiers: Orphanet 220460, MedGen C2675481, MONDO:0012953, OMIM 612591.

Submission:

Labcorp Genetics (formerly Invitae), Labcorp
Classification: Uncertain significance for POLD1-related polyposis and colorectal cancer syndrome. Last evaluated: 2018-09-18. Review status: criteria provided, single submitter. Criteria: Invitae Variant Classification Sherloc (09022015). Collection method: clinical testing. Allele origin: germline.
Comment: This variant has not been reported in the literature in individuals with POLD1-related disease. Missense variants that disrupt the 3'-5' exonuclease (proof-reading) activity of the POLD1 protein, while not abolishing its polymerase enzyme activity, are associated with an increased risk for colonic adenomatous polyps and colon cancer (PMID: 23263490, 23447401). Loss-of-function variants, which result in an absent or severely disrupted POLD1 protein, are therefore unlikely to be associated with disease. Without further clinical and genetic evidence, however, this variant has been classified as a Variant of Uncertain Significance. This variant is not present in population databases (ExAC no frequency). This sequence change affects a donor splice site in intron 17 of the POLD1 gene. It is expected to disrupt RNA splicing and likely results in an absent or disrupted protein product.

Literature cited by the submitters: PubMed 23263490; PubMed 23447401.